The following is an entry in ClinVar:

ClinVar aggregate classification (germline): Likely benign. Review status: criteria provided, multiple submitters, no conflicts (2 of 4 stars). 2 submissions from 2 submitters: Likely benign (2). Last evaluated 2026-05-01.

Allele frequency attached by ClinVar (database versions not stated): gnomAD 0.00001; ExAC 0.00002; TOPMed 0.00002; gnomAD exomes 0.00003.
gnomAD v4.1: 45 of 1,613,306 alleles (0.0028%); highest among the groups gnomAD compares: Middle Eastern, 0.016%; no homozygotes.

Submissions (2):

CeGaT Center for Human Genetics Tuebingen
Classification: Likely benign. Last evaluated: 2026-05-01. Review status: criteria provided, single submitter. Criteria: CeGaT Center For Human Genetics Tuebingen Variant Classification Criteria Version 2. Collection method: clinical testing. Allele origin: germline. Affected: yes. Observed: 1 variant allele.
Comment: GABRA2: BP4, BP7

Labcorp Genetics (formerly Invitae), Labcorp
Classification: Likely benign. Last evaluated: 2025-09-10. Review status: criteria provided, single submitter. Criteria: Invitae Variant Classification Sherloc (09022015). Collection method: clinical testing. Allele origin: germline.

NM_000807.4(GABRA2):c.621G>A (p.Gln207=)

Gene: GABRA2 (gamma-aminobutyric acid type A receptor subunit alpha2; minus strand). Cytogenetic location: 4p12.
Variant type: single nucleotide variant.
Coding change: c.621G>A on transcript NM_000807.4 (MANE Select); coding-DNA position 621, G replaced by A.
Protein change: p.Gln207=; no amino-acid change (glutamine 207 retained).
Molecular consequence: synonymous variant.
Genome position (GRCh38, 1-based): chr4:46,305,650, C>T on the plus strand (G>A on the coding strand, the complement: GABRA2 is on the minus strand). VCF-style: chr4-46305650-C-T. GRCh37 (hg19) VCF-style: chr4-46307667-C-T.
Other names: c.621G>A, p.Gln207= (NM_001114175.3, NM_001330690.2, NM_001377144.1 and 8 more transcripts); c.456G>A, p.Gln152= (NM_001286827.3, NM_001377152.1, NM_001377153.1 and 1 more transcripts).
Identifiers: ClinVar variation 1914584 (VCV001914584.7), dbSNP rs757864761, ClinGen allele CA2906673.